The following is an entry in ClinVar:

NM_001854.4(COL11A1):c.2809-313T>C

Gene: COL11A1 (collagen type XI alpha 1 chain; minus strand). Cytogenetic location: 1p21.1.
Variant type: single nucleotide variant.
Coding change: c.2809-313T>C on transcript NM_001854.4 (MANE Select); 313 bases into the intron before coding-DNA position 2809, T replaced by C.
Molecular consequence: intron variant.
Genome position (GRCh38, 1-based): chr1:102,970,585, A>G on the plus strand (T>C on the coding strand, the complement: COL11A1 is on the minus strand). VCF-style: chr1-102970585-A-G. GRCh37 (hg19) VCF-style: chr1-103436141-A-G.
Other names: c.2692-313T>C (NM_001190709.2); c.2845-313T>C (NM_080629.3); c.2461-313T>C (NM_080630.4).
Identifiers: ClinVar variation 681237 (VCV000681237.1), dbSNP rs11164648, ClinGen allele CA10970522.
Genomic context (GRCh38, chr1:102,970,585, plus strand): 5'-TCAATCATTTGTAAAATAATATTTGCAAAGGTTTGTATTTTCGTTTTTGTGAAAAATATT[A>G]CTTCTTTAGCACTTCACAAATGAGTATTTCCCCCTTTTTGGTGATTTGTTCCTAATTCAA-3'

ClinVar aggregate classification (germline): Benign (1 of 4 stars; one submission).

Allele frequency attached by ClinVar (database versions not stated): 1000 Genomes Project 0.17732; 1000 Genomes Project 30x 0.17989; TOPMed 0.22103; gnomAD 0.22204 and 0.22522.
gnomAD v4.1: 33,652 of 152,172 alleles (22%); highest among the groups gnomAD compares: Non-Finnish European, 24%; 3,746 homozygotes.

Submission:

GeneDx
Classification: Benign. Last evaluated: 2018-06-14. Review status: criteria provided, single submitter. Criteria: GeneDx Variant Classification (06012015). Collection method: clinical testing. Allele origin: germline. Affected: yes.
Comment: This variant is considered likely benign or benign based on one or more of the following criteria: it is a conservative change, it occurs at a poorly conserved position in the protein, it is predicted to be benign by multiple in silico algorithms, and/or has population frequency not consistent with disease.